The following is an entry in ClinVar:

ClinVar aggregate classification (germline): Uncertain significance. Review status: criteria provided, multiple submitters, no conflicts (2 of 4 stars). 2 submissions from 2 submitters: Uncertain significance (2). Last evaluated 2021-08-16.

Conditions:
Hypotonia, ataxia, and delayed development syndrome (HADDS). Also called: EBF3 Neurodevelopmental Disorder. Identifiers: Orphanet 658843, MedGen C4310618, MONDO:0015021, OMIM 617330.
Inborn genetic diseases. Identifiers: MedGen C0950123, MeSH D030342.

Allele frequency attached by ClinVar (database versions not stated): gnomAD exomes below 0.00001 and 0.00002; TOPMed below 0.00001; ExAC 0.00001; gnomAD 0.00001.
gnomAD v4.1: 7 of 1,614,144 alleles (0.00043%); highest among the groups gnomAD compares: Admixed American, 0.0033%; no homozygotes.

Submissions (2):

Revvity Omics, Revvity
Classification: Uncertain significance for Hypotonia, ataxia, and delayed development syndrome. Last evaluated: 2021-08-16. Review status: criteria provided, single submitter. Criteria: ACMG Guidelines, 2015. Collection method: clinical testing. Allele origin: germline.

Ambry Genetics
Classification: Uncertain significance for Hereditary disease. Last evaluated: 2017-10-12. Review status: criteria provided, single submitter. Criteria: ambry_reporting_categories_2017. Collection method: clinical testing. Allele origin: germline. Affected: yes. Observed: 1 heterozygote. Segregation with disease observed.
Comment: Lines of evidence used in support of classification: UNCERTAIN: Alteration(s) of Uncertain Clinical Significance Detected

Literature cited by the submitters: PubMed 28017370 (cited by Ambry Genetics); PubMed 28017373 (cited by Ambry Genetics); PubMed 28017372 (cited by Ambry Genetics); PubMed 19627984 (cited by Ambry Genetics); PubMed 20300201 (cited by Ambry Genetics); PubMed 28487885 (cited by Ambry Genetics); PubMed 29062322 (cited by Ambry Genetics); PubMed 29162653 (cited by Ambry Genetics).

NM_001375380.1(EBF3):c.856G>A (p.Asp286Asn)

Genes: EBF3 (EBF transcription factor 3; minus strand), EBF3-AS1 (EBF3 antisense RNA 1; plus strand). Cytogenetic location: 10q26.3.
Variant type: single nucleotide variant.
Coding change: c.856G>A on transcript NM_001375380.1 (MANE Select); coding-DNA position 856, G replaced by A.
Protein change: p.Asp286Asn; replaces aspartic acid 286 with asparagine.
Molecular consequence: missense variant.
Genome position (GRCh38, 1-based): chr10:129,867,838, C>T on the plus strand (G>A on the coding strand, the complement: EBF3 is on the minus strand). VCF-style: chr10-129867838-C-T. GRCh37 (hg19) VCF-style: chr10-131666102-C-T.
Other names: c.829G>A, p.Asp277Asn (NM_001005463.3, NM_001375390.1, NM_001375392.1); c.856G>A, p.Asp286Asn (NM_001375379.1, NM_001375389.1, NM_001375391.1); short protein forms D277N, D286N.
Identifiers: ClinVar variation 522147 (VCV000522147.6), dbSNP rs774203238, ClinGen allele CA5748601.